The following is an entry in ClinVar:

NM_004281.4(BAG3):c.105C>G (p.Gly35=)

Gene: BAG3 (BAG cochaperone 3; plus strand). Cytogenetic location: 10q26.11.
Variant type: single nucleotide variant.
Coding change: c.105C>G on transcript NM_004281.4 (MANE Select); coding-DNA position 105, C replaced by G.
Protein change: p.Gly35=; no amino-acid change (glycine 35 retained).
Molecular consequence: synonymous variant.
Genome position (GRCh38, 1-based): chr10:119,651,780, C>G. VCF-style: chr10-119651780-C-G. GRCh37 (hg19) VCF-style: chr10-121411292-C-G.
Identifiers: ClinVar variation 390438 (VCV000390438.1), dbSNP rs1057523771, ClinGen allele CA16605609.
Genomic context (GRCh38, chr10:119,651,780, plus strand): 5'-CAACGGTGACCGCGACCCTTTGCCCCCCGGATGGGAGATCAAGATCGACCCGCAGACCGG[C>G]TGGCCCTTCTTCGTGGACCACAACAGCCGCACCACTACGTGGAACGACCCGCGCGTGCCC-3'
Protein context (NP_004272.2, residues 25-45): GWEIKIDPQT[Gly35=]WPFFVDHNSR

ClinVar aggregate classification (germline): Likely benign (1 of 4 stars; one submission).

Submission:

GeneDx
Classification: Likely benign. Last evaluated: 2016-11-10. Review status: criteria provided, single submitter. Criteria: GeneDx Variant Classification (06012015). Collection method: clinical testing. Allele origin: germline. Affected: yes.
Comment: This variant is considered likely benign or benign based on one or more of the following criteria: it is a conservative change, it occurs at a poorly conserved position in the protein, it is predicted to be benign by multiple in silico algorithms, and/or has population frequency not consistent with disease.